The following is an entry in ClinVar:

ClinVar aggregate classification (germline): Uncertain significance (1 of 4 stars; one submission).

Conditions:
Hereditary cancer-predisposing syndrome. Also called: Neoplastic Syndromes, Hereditary; Tumor predisposition; Hereditary neoplastic syndrome; Hereditary Cancer Syndrome. Identifiers: Orphanet 140162, MedGen C0027672, MeSH D009386, MONDO:0015356.

Submission:

Ambry Genetics
Classification: Uncertain significance for Hereditary cancer-predisposing syndrome. Last evaluated: 2025-04-04. Review status: criteria provided, single submitter. Criteria: Ambry Variant Classification Scheme 2023. Collection method: clinical testing. Allele origin: germline.
Comment: The p.S411R variant (also known as c.1233C>A), located in coding exon 9 of the MITF gene, results from a C to A substitution at nucleotide position 1233. The serine at codon 411 is replaced by arginine, an amino acid with dissimilar properties. This amino acid position is conserved. In addition, the in silico prediction for this alteration is inconclusive. Based on the available evidence, the clinical significance of this variant remains unclear.

NM_001354604.2(MITF):c.1554C>A (p.Ser518Arg)

Gene: MITF (melanocyte inducing transcription factor; plus strand). Cytogenetic location: 3p13.
Variant type: single nucleotide variant.
Coding change: c.1554C>A on transcript NM_001354604.2 (MANE Select); coding-DNA position 1554, C replaced by A.
Protein change: p.Ser518Arg; replaces serine 518 with arginine.
Molecular consequence: missense variant.
Genome position (GRCh38, 1-based): chr3:69,965,221, C>A. VCF-style: chr3-69965221-C-A. GRCh37 (hg19) VCF-style: chr3-70014372-C-A.
Other names: c.1233C>A, p.Ser411Arg (NM_000248.4); c.1380C>A, p.Ser460Arg (NM_001184967.2, NM_001354608.2); c.1551C>A, p.Ser517Arg (NM_001354605.2); c.1533C>A, p.Ser511Arg (NM_001354606.2, NM_006722.3); c.1485C>A, p.Ser495Arg (NM_001354607.2); c.1215C>A, p.Ser405Arg (NM_198158.3); c.1536C>A, p.Ser512Arg (NM_198159.3); c.1488C>A, p.Ser496Arg (NM_198177.3); and 1 more; short protein forms S460R, S411R, S495R, S512R, S349R, S405R, S511R, S517R.
Identifiers: ClinVar variation 4055182 (VCV004055182.1).
Genomic context (GRCh38, chr3:69,965,221, plus strand): 5'-ACTCCTTTCCTCAGTGTCCCCCGGAGCTTCCAAAACAAGCAGCCGGAGGAGCAGTATGAG[C>A]ATGGAAGAGACGGAGCACACTTGTTAGCGAATCCTCCCTGCACTGCATTCGCACAAACTG-3'
Protein context (NP_001341533.1, residues 508-526): SKTSSRRSSM[Ser518Arg]MEETEHTC